The following is an entry in ClinVar:

NM_198129.4(LAMA3):c.1812T>C (p.His604=)

Gene: LAMA3 (laminin subunit alpha 3; plus strand). Cytogenetic location: 18q11.2.
Variant type: single nucleotide variant.
Coding change: c.1812T>C on transcript NM_198129.4 (MANE Select); coding-DNA position 1812, T replaced by C.
Protein change: p.His604=; no amino-acid change (histidine 604 retained).
Molecular consequence: synonymous variant.
Genome position (GRCh38, 1-based): chr18:23,814,426, T>C. VCF-style: chr18-23814426-T-C. GRCh37 (hg19) VCF-style: chr18-21394390-T-C.
Other names: c.1812T>C, p.His604= (NM_001127717.4).
Identifiers: ClinVar variation 2648623 (VCV002648623.25), dbSNP rs370352049, ClinGen allele CA8914753.

ClinVar aggregate classification (germline): Likely benign. Review status: criteria provided, multiple submitters, no conflicts (2 of 4 stars). 2 submissions from 2 submitters: Likely benign (2). Last evaluated 2022-09-01.

Allele frequency attached by ClinVar (database versions not stated): gnomAD exomes 0.00002; ESP Exome Variant Server 0.00008; ExAC 0.00010; gnomAD 0.00033; TOPMed 0.00040.
gnomAD v4.1: 87 of 1,613,400 alleles (0.0054%); highest among the groups gnomAD compares: African/African-American, 0.093%; no homozygotes.

Submissions (2):

CeGaT Center for Human Genetics Tuebingen
Classification: Likely benign. Last evaluated: 2022-09-01. Review status: criteria provided, single submitter. Criteria: CeGaT Center For Human Genetics Tuebingen Variant Classification Criteria Version 2. Collection method: clinical testing. Allele origin: germline. Affected: yes. Observed: 1 variant allele.
Comment: LAMA3: BP4, BP7

Blueprint Genetics
Classification: Likely benign. Last evaluated: 2022-07-29. Review status: criteria provided, single submitter. Criteria: ACMG Guidelines, 2015. Collection method: clinical testing. Allele origin: germline.